The following is an entry in ClinVar:

ClinVar aggregate classification (germline): Likely benign (0 of 4 stars; one submission).

Conditions:
DSG4-related disorder. Also called: DSG4-related condition.

Submission:

PreventionGenetics, part of Exact Sciences
Classification: Likely benign for DSG4-related condition. Last evaluated: 2022-12-29. Review status: no assertion criteria provided. Collection method: clinical testing. Allele origin: germline.
Comment: This variant is classified as likely benign based on ACMG/AMP sequence variant interpretation guidelines (Richards et al. 2015 PMID: 25741868, with internal and published modifications).

NM_177986.5(DSG4):c.1246T>C (p.Leu416=)

Genes: DSG1-AS1 (DSG1 antisense RNA 1; minus strand), DSG4 (desmoglein 4; plus strand). Cytogenetic location: 18q12.1.
Variant type: single nucleotide variant.
Coding change: c.1246T>C on transcript NM_177986.5 (MANE Select); coding-DNA position 1246, T replaced by C.
Protein change: p.Leu416=; no amino-acid change (leucine 416 retained).
Molecular consequence: synonymous variant.
Genome position (GRCh38, 1-based): chr18:31,399,512, T>C. VCF-style: chr18-31399512-T-C. GRCh37 (hg19) VCF-style: chr18-28979475-T-C.
Other names: c.1246T>C, p.Leu416= (NM_001134453.3).
Identifiers: ClinVar variation 3048956 (VCV003048956.2), dbSNP rs764083246, ClinGen allele CA503763832.